The following is an entry in ClinVar:

NM_000245.4(MET):c.2389G>A (p.Glu797Lys)

Gene: MET (MET proto-oncogene, receptor tyrosine kinase; plus strand). Cytogenetic location: 7q31.2.
Variant type: single nucleotide variant.
Coding change: c.2389G>A on transcript NM_000245.4 (MANE Select); coding-DNA position 2389, G replaced by A.
Protein change: p.Glu797Lys; replaces glutamic acid 797 with lysine.
Molecular consequence: missense variant.
Genome position (GRCh38, 1-based): chr7:116,763,074, G>A. VCF-style: chr7-116763074-G-A. GRCh37 (hg19) VCF-style: chr7-116403128-G-A.
Other names: c.2443G>A, p.Glu815Lys (NM_001127500.3); c.2389G>A, p.Glu797Lys (NM_001324401.3); c.1099G>A, p.Glu367Lys (NM_001324402.2); short protein forms E815K, E367K, E797K.
Identifiers: ClinVar variation 646988 (VCV000646988.15), dbSNP rs1307693651, ClinGen allele CA368982932.

ClinVar aggregate classification (germline): Uncertain significance. Review status: criteria provided, multiple submitters, no conflicts (2 of 4 stars). 3 submissions from 3 submitters: Uncertain significance (3). Last evaluated 2026-02-01.

Conditions:
Hereditary cancer-predisposing syndrome. Also called: Hereditary Cancer Syndrome; Tumor predisposition; Hereditary neoplastic syndrome; Neoplastic Syndromes, Hereditary. Identifiers: Orphanet 140162, MedGen C0027672, MeSH D009386, MONDO:0015356.
Renal cell carcinoma. Identifiers: Orphanet 217071, MedGen C0007134, MeSH D002292, MONDO:0005086, HP:0005584.
Autosomal recessive nonsyndromic hearing loss 97. Also called: Deafness, autosomal recessive 97. Identifiers: Orphanet 90636, MedGen C4084709, MONDO:0014739, OMIM 616705.

Allele frequency attached by ClinVar (database versions not stated): gnomAD exomes below 0.00001.
gnomAD v4.1: 2 of 1,613,986 alleles (0.00012%); highest among the groups gnomAD compares: East Asian, 0.0045%; no homozygotes.

Submissions (3):

Labcorp Genetics (formerly Invitae), Labcorp
Classification: Uncertain significance for Renal cell carcinoma. Last evaluated: 2026-02-01. Review status: criteria provided, single submitter. Criteria: Invitae Variant Classification Sherloc (09022015). Collection method: clinical testing. Allele origin: germline.
Comment: This sequence change replaces glutamic acid, which is acidic and polar, with lysine, which is basic and polar, at codon 815 of the MET protein (p.Glu815Lys). This variant is present in population databases (no rsID available, gnomAD 0.006%). This variant has not been reported in the literature in individuals affected with MET-related conditions. ClinVar contains an entry for this variant (Variation ID: 646988). Invitae Evidence Modeling of protein sequence and biophysical properties (such as structural, functional, and spatial information, amino acid conservation, physicochemical variation, residue mobility, and thermodynamic stability) indicates that this missense variant is not expected to disrupt MET protein function with a negative predictive value of 80%. In summary, the available evidence is currently insufficient to determine the role of this variant in disease. Therefore, it has been classified as a Variant of Uncertain Significance.

Baylor Genetics
Classification: Uncertain significance for Autosomal recessive nonsyndromic hearing loss 97. Last evaluated: 2023-09-25. Review status: criteria provided, single submitter. Criteria: ACMG Guidelines, 2015. Collection method: clinical testing. Allele origin: unknown.

Ambry Genetics
Classification: Uncertain significance for Hereditary cancer-predisposing syndrome. Last evaluated: 2019-01-30. Review status: criteria provided, single submitter. Criteria: Ambry Variant Classification Scheme 2023. Collection method: clinical testing. Allele origin: germline.
Comment: The p.E815K variant (also known as c.2443G>A), located in coding exon 10 of the MET gene, results from a G to A substitution at nucleotide position 2443. The glutamic acid at codon 815 is replaced by lysine, an amino acid with similar properties. This amino acid position is highly conserved in available vertebrate species. In addition, this alteration is predicted to be deleterious by in silico analysis. Since supporting evidence is limited at this time, the clinical significance of this alteration remains unclear.